The following is an entry in ClinVar:

NM_004104.5(FASN):c.5730G>C (p.Gln1910His)

Gene: FASN (fatty acid synthase; minus strand). Cytogenetic location: 17q25.3.
Variant type: single nucleotide variant.
Coding change: c.5730G>C on transcript NM_004104.5 (MANE Select); coding-DNA position 5730, G replaced by C.
Protein change: p.Gln1910His; replaces glutamine 1910 with histidine.
Molecular consequence: missense variant.
Genome position (GRCh38, 1-based): chr17:82,082,951, C>G on the plus strand (G>C on the coding strand, the complement: FASN is on the minus strand). VCF-style: chr17-82082951-C-G. GRCh37 (hg19) VCF-style: chr17-80040827-C-G.
Other names: short protein forms Q1910H.
Identifiers: ClinVar variation 4707243 (VCV004707243.1).

ClinVar aggregate classification (germline): Uncertain significance (1 of 4 stars; one submission).

Conditions:
Epileptic encephalopathy. Identifiers: MedGen C0543888, HP:0200134.

gnomAD v4.1: 2 of 1,612,854 alleles (0.00012%); highest among the groups gnomAD compares: Non-Finnish European, 0.00017%; no homozygotes.

Submission:

Labcorp Genetics (formerly Invitae), Labcorp
Classification: Uncertain significance for Epileptic encephalopathy. Last evaluated: 2025-02-16. Review status: criteria provided, single submitter. Criteria: Invitae Variant Classification Sherloc (09022015). Collection method: clinical testing. Allele origin: germline.
Comment: This sequence change replaces glutamine, which is neutral and polar, with histidine, which is basic and polar, at codon 1910 of the FASN protein (p.Gln1910His). This variant is not present in population databases (gnomAD no frequency). This variant has not been reported in the literature in individuals affected with FASN-related conditions. An algorithm developed to predict the effect of missense changes on protein structure and function (PolyPhen-2) suggests that this variant is likely to be tolerated. In summary, the available evidence is currently insufficient to determine the role of this variant in disease. Therefore, it has been classified as a Variant of Uncertain Significance.